The following is an entry in ClinVar:

NM_001367624.2(ZNF469):c.2669G>A (p.Gly890Glu)

Gene: ZNF469 (zinc finger protein 469; plus strand). Cytogenetic location: 16q24.2.
Variant type: single nucleotide variant.
Coding change: c.2669G>A on transcript NM_001367624.2 (MANE Select); coding-DNA position 2669, G replaced by A.
Protein change: p.Gly890Glu; replaces glycine 890 with glutamic acid.
Molecular consequence: missense variant.
Genome position (GRCh38, 1-based): chr16:88,430,139, G>A. VCF-style: chr16-88430139-G-A. GRCh37 (hg19) VCF-style: chr16-88496547-G-A.
Other names: NM_001127464.1:c.2669G>A; short protein forms G890E.
Identifiers: ClinVar variation 2999626 (VCV002999626.6), dbSNP rs779602484, ClinGen allele CA8224791.

ClinVar aggregate classification (germline): Uncertain significance. Review status: criteria provided, multiple submitters, no conflicts (2 of 4 stars). 4 submissions from 4 submitters: Uncertain significance (4). Last evaluated 2026-05-24.

Conditions:
Cardiovascular phenotype. Identifiers: MedGen CN230736.

Allele frequency attached by ClinVar (database versions not stated): TOPMed below 0.00001.
gnomAD v4.1: 19 of 1,550,134 alleles (0.0012%); highest among the groups gnomAD compares: Non-Finnish European, 0.0017%; no homozygotes.

Submissions (4):

Ambry Genetics
Classification: Uncertain significance for Cardiovascular phenotype. Last evaluated: 2026-05-24. Review status: criteria provided, single submitter. Criteria: Ambry Variant Classification Scheme 2023. Collection method: clinical testing. Allele origin: germline.
Comment: The p.G890E variant (also known as c.2669G>A), located in coding exon 1 of the ZNF469 gene, results from a G to A substitution at nucleotide position 2669. The glycine at codon 890 is replaced by glutamic acid, an amino acid with similar properties. This amino acid position is conserved. In addition, this alteration is predicted to be tolerated by in silico analysis. Based on the available evidence, the clinical significance of this variant remains unclear.

Dasa
Classification: Uncertain significance. Last evaluated: 2025-04-22. Review status: criteria provided, single submitter. Criteria: DASA Assertion Criteria. Collection method: clinical testing. Allele origin: germline.
Comment: NM_001367624.2(ZNF469):c.2669G>A (p.Gly890Glu) is a missense variant that results in the substitution of glycine with glutamic acid. This variant is rare in population databases. Computational prediction algorithms are consistent with a benign effect. The currently available literature and clinical evidence are not sufficient to establish a definitive association between this variant and the reported condition. Therefore, this variant is classified as a variant of uncertain significance.

GeneDx
Classification: Uncertain significance. Last evaluated: 2024-05-13. Review status: criteria provided, single submitter. Criteria: GeneDx Variant Classification Process June 2021. Collection method: clinical testing. Allele origin: germline. Affected: yes.
Comment: Not observed at significant frequency in large population cohorts (gnomAD); In silico analysis supports that this missense variant has a deleterious effect on protein structure/function; Has not been previously published as pathogenic or benign to our knowledge

Labcorp Genetics (formerly Invitae), Labcorp
Classification: Uncertain significance. Last evaluated: 2023-10-22. Review status: criteria provided, single submitter. Criteria: Invitae Variant Classification Sherloc (09022015). Collection method: clinical testing. Allele origin: germline.
Comment: This sequence change replaces glycine, which is neutral and non-polar, with glutamic acid, which is acidic and polar, at codon 890 of the ZNF469 protein (p.Gly890Glu). This variant is present in population databases (rs779602484, gnomAD 0.002%). This variant has not been reported in the literature in individuals affected with ZNF469-related conditions. An algorithm developed to predict the effect of missense changes on protein structure and function (PolyPhen-2) suggests that this variant is likely to be disruptive. In summary, the available evidence is currently insufficient to determine the role of this variant in disease. Therefore, it has been classified as a Variant of Uncertain Significance.